The following is an entry in ClinVar:

NC_000004.11:g.(?_124011724)_(124177345_?)del

Gene: AFG2A (AFG2 AAA ATPase homolog A; plus strand). Cytogenetic location: 4q28.1.
Variant type: Deletion.
Identifiers: ClinVar variation 1068007 (VCV001068007.1).

ClinVar aggregate classification (germline): Likely pathogenic (1 of 4 stars; one submission).

Conditions:
Microcephaly-intellectual disability-sensorineural hearing loss-epilepsy-abnormal muscle tone syndrome (NEDHSB). Also called: NEURODEVELOPMENTAL DISORDER WITH HEARING LOSS, SEIZURES, AND BRAIN ABNORMALITIES. Identifiers: Orphanet 457351, MedGen C4225276, MONDO:0014698, OMIM 616577.

Submission:

Labcorp Genetics (formerly Invitae), Labcorp
Classification: Likely pathogenic for Microcephaly-intellectual disability-sensorineural hearing loss-epilepsy-abnormal muscle tone syndrome. Last evaluated: 2020-10-03. Review status: criteria provided, single submitter. Criteria: Invitae Variant Classification Sherloc (09022015). Collection method: clinical testing. Allele origin: germline.
Comment: This variant is an out-of-frame deletion of the genomic region encompassing exon(s) 14-15 of the SPATA5 gene. While this is not anticipated to result in nonsense mediated decay, it is expected to disrupt the last 156 amino acid(s) of the SPATA5 protein. This variant has not been reported in the literature in individuals with SPATA5-related conditions. This variant disrupts the p.Ala844 amino acid residue in SPATA5. Other variant(s) that disrupt this residue have been determined to be pathogenic (PMID: 26299366). This suggests that this residue is clinically significant, and that variants that disrupt this residue are likely to be disease-causing. In summary, the currently available evidence indicates that the variant is pathogenic, but additional data are needed to prove that conclusively. Therefore, this variant has been classified as Likely Pathogenic.

Literature cited by the submitters: PubMed 26299366.